The following is an entry in ClinVar:

ClinVar aggregate classification (germline): Benign. Review status: reviewed by expert panel (3 of 4 stars). 12 submissions from 12 submitters: Benign (1). 11 of the submissions do not count toward it. Last evaluated 2015-08-10.

Conditions:
Hereditary cancer-predisposing syndrome. Also called: Tumor predisposition; Neoplastic Syndromes, Hereditary; Hereditary Cancer Syndrome; Hereditary neoplastic syndrome. Identifiers: Orphanet 140162, MedGen C0027672, MeSH D009386, MONDO:0015356.
Hereditary breast ovarian cancer syndrome. Also called: Hereditary breast and ovarian cancer; Hereditary breast and ovarian cancer syndrome (HBOC); Breast and ovarian cancer; Hereditary breast and/or ovarian cancer syndrome; BRCA1- and BRCA2-Associated Hereditary Breast and Ovarian Cancer; Hereditary breast and ovarian cancer syndrome. Identifiers: Orphanet 145, MedGen C0677776, MeSH D061325, MONDO:0003582. Disease mechanism: loss of function.
Breast-ovarian cancer, familial, susceptibility to, 1 (BROVCA1). Also called: OVARIAN CANCER, SUSCEPTIBILITY TO; BRCA1 Hereditary Breast and Ovarian Cancer. Identifiers: Orphanet 145, MedGen C2676676, MONDO:0011450, OMIM 604370. Disease mechanism: loss of function.

Allele frequency attached by ClinVar (database versions not stated): ExAC 0.00001; gnomAD 0.00001; gnomAD exomes 0.00001 and 0.00002; TOPMed 0.00001.
gnomAD v4.1: 39 of 1,613,246 alleles (0.0024%); highest among the groups gnomAD compares: Non-Finnish European, 0.0029%; no homozygotes.

Submissions (13):

Evidence-based Network for the Interpretation of Germline Mutant Alleles (ENIGMA)
Classification: Benign for Breast-ovarian cancer, familial 1. Last evaluated: 2015-08-10. Review status: reviewed by expert panel. Criteria: ENIGMA BRCA1/2 Classification Criteria (2015). Collection method: curation. Allele origin: germline.
Comment: IARC class based on posterior probability from multifactorial likelihood analysis, thresholds for class as per Plon et al. 2008 (PMID: 18951446). Class 1 based on posterior probability = 0.0008

CeGaT Center for Human Genetics Tuebingen
Classification: Likely benign. Last evaluated: 2026-06-01. Review status: criteria provided, single submitter. Criteria: CeGaT Center For Human Genetics Tuebingen Variant Classification Criteria Version 2. Collection method: clinical testing. Allele origin: germline. Affected: yes. Observed: 1 variant allele. Not counted in ClinVar's aggregate classification.
Comment: BRCA1: BP4, BS1:Supporting

Labcorp Genetics (formerly Invitae), Labcorp
Classification: Benign for Hereditary breast ovarian cancer syndrome. Last evaluated: 2026-01-21. Review status: criteria provided, single submitter. Criteria: Invitae Variant Classification Sherloc (09022015). Collection method: clinical testing. Allele origin: germline. Not counted in ClinVar's aggregate classification.

Dasa
Classification: Benign for Breast-ovarian cancer, familial, susceptibility to, 1. Last evaluated: 2025-01-21. Review status: criteria provided, single submitter. Criteria: DASA Assertion Criteria. Collection method: clinical testing. Allele origin: germline. Not counted in ClinVar's aggregate classification.
Comment: NM_007294.4(BRCA1):c.133A>C (p.Lys45Gln) is a missense variant that results in the substitution of lysine with glutamine. Functional evidence is consistent with no deleterious impact on the gene or gene product, and the variant context is inconsistent with a known disease-causing mechanism. Therefore, based on the currently available evidence, this variant is classified as benign.

Blueprint Genetics
Classification: Likely benign. Last evaluated: 2024-02-27. Review status: criteria provided, single submitter. Criteria: ACMG Guidelines, 2015. Collection method: clinical testing. Allele origin: germline. Not counted in ClinVar's aggregate classification.

All of Us Research Program, National Institutes of Health
Classification: Likely benign for Breast-ovarian cancer, familial, susceptibility to, 1. Last evaluated: 2023-11-02. Review status: criteria provided, single submitter. Criteria: ACMG Guidelines, 2015. Collection method: clinical testing. Allele origin: germline. Inheritance: Autosomal dominant inheritance. Observed: 4 variant alleles, 4 heterozygotes. Not counted in ClinVar's aggregate classification.
Comment: This study involves interpretation of variants in research participants for the purpose of population health screening. Participant phenotype was not available at the time of variant classification. Additional details can be found in publication PMID: 35346344, PMCID: PMC8962531

Quest Diagnostics Nichols Institute San Juan Capistrano
Classification: Likely benign. Last evaluated: 2022-12-03. Review status: criteria provided, single submitter. Criteria: Quest Diagnostics criteria. Collection method: clinical testing. Allele origin: unknown. Not counted in ClinVar's aggregate classification.

Color Diagnostics, LLC DBA Color Health
Classification: Likely benign for Hereditary cancer-predisposing syndrome. Last evaluated: 2018-03-09. Review status: criteria provided, single submitter. Criteria: ACMG Guidelines, 2015. Collection method: clinical testing. Allele origin: germline. Not counted in ClinVar's aggregate classification.

GeneDx
Classification: Likely benign. Last evaluated: 2017-09-08. Review status: criteria provided, single submitter. Criteria: GeneDx Variant Classification (06012015). Collection method: clinical testing. Allele origin: germline. Affected: yes. Not counted in ClinVar's aggregate classification.
Comment: This variant is considered likely benign or benign based on one or more of the following criteria: it is a conservative change, it occurs at a poorly conserved position in the protein, it is predicted to be benign by multiple in silico algorithms, and/or has population frequency not consistent with disease.

Ambry Genetics
Classification: Benign for Hereditary cancer-predisposing syndrome. Last evaluated: 2014-11-18. Review status: criteria provided, single submitter. Criteria: Ambry Variant Classification Scheme 2023. Collection method: clinical testing. Allele origin: germline. Not counted in ClinVar's aggregate classification.

Counsyl
Classification: Benign for Breast-ovarian cancer, familial, susceptibility to, 1. Last evaluated: 2016-10-26. Review status: no assertion criteria provided. Collection method: clinical testing. Allele origin: unknown. Not counted in ClinVar's aggregate classification.

Sharing Clinical Reports Project (SCRP)
Classification: Benign for Breast-ovarian cancer, familial 1. Last evaluated: 2011-01-31. Review status: no assertion criteria provided. Collection method: clinical testing. Allele origin: germline. Not counted in ClinVar's aggregate classification.

Brotman Baty Institute, University of Washington
No classification provided (evidence only). Condition: Breast-ovarian cancer, familial 1. Review status: no classification provided. Collection method: in vitro. Allele origin: not applicable. Functional consequence: functionally_normal. Not counted in ClinVar's aggregate classification.
ClinVar note: "not provided" was previously submitted as the classification for the variant. However, the classification appeared to be based only on an observation of functional data so it was converted to no classification on 2025-07-30.

Literature cited by the submitters: PubMed 21990134 (cited by 3 submitters); PubMed 30209399 (cited by Quest Diagnostics Nichols Institute San Juan Capistrano); PubMed 33471991 (cited by Quest Diagnostics Nichols Institute San Juan Capistrano); PubMed 19543972 (cited by Quest Diagnostics Nichols Institute San Juan Capistrano and Counsyl); PubMed 27484786 (cited by Quest Diagnostics Nichols Institute San Juan Capistrano and Counsyl); PubMed 23034506 (cited by Quest Diagnostics Nichols Institute San Juan Capistrano); PubMed 23867111 (cited by Quest Diagnostics Nichols Institute San Juan Capistrano and Counsyl); PubMed 19370767 (cited by Quest Diagnostics Nichols Institute San Juan Capistrano); PubMed 25823446 (cited by Quest Diagnostics Nichols Institute San Juan Capistrano and Counsyl); PubMed 27272900 (cited by Quest Diagnostics Nichols Institute San Juan Capistrano and Counsyl).

NM_007294.4(BRCA1):c.133A>C (p.Lys45Gln)

Gene: BRCA1 (BRCA1 DNA repair associated; minus strand). Cytogenetic location: 17q21.31.
Variant type: single nucleotide variant.
Coding change: c.133A>C on transcript NM_007294.4 (MANE Select); coding-DNA position 133, A replaced by C.
Protein change: p.Lys45Gln; replaces lysine 45 with glutamine.
Molecular consequence: missense variant. On other transcripts: non-coding transcript variant (1), intron variant (1).
Genome position (GRCh38, 1-based): chr17:43,115,727, T>G on the plus strand (A>C on the coding strand, the complement: BRCA1 is on the minus strand). VCF-style: chr17-43115727-T-G. GRCh37 (hg19) VCF-style: chr17-41267744-T-G.
Other names: 252A>C; c.133A>C, p.Lys45Gln (NM_001407854.1, NM_001407858.1, NM_001407859.1 and 192 more transcripts); c.-56A>C (NM_001407879.1, NM_001407882.1, NM_001407884.1 and 52 more transcripts); c.-172A>C (NM_001407889.1, NM_001407900.1, NM_001408492.1); c.-9A>C (NM_001407920.1, NM_001407921.1, NM_001407922.1 and 47 more transcripts); c.-125A>C (NM_001407930.1, NM_001407942.1, NM_001408455.1 and 13 more transcripts); c.-171A>C (NM_001407960.1, NM_001407962.1, NM_001408510.1 and 1 more transcripts); c.-287A>C (NM_001407965.1); and 2 more; short protein forms K45Q.
Identifiers: ClinVar variation 183950 (VCV000183950.32), dbSNP rs769650474, ClinGen allele CA000875.